The following is an entry in ClinVar:

ClinVar aggregate classification (germline): Conflicting classifications of pathogenicity. Review status: criteria provided, conflicting classifications (1 of 4 stars). 2 submissions from 2 submitters: Uncertain significance (1); Likely benign (1). Last evaluated 2026-01-19.

Allele frequency attached by ClinVar (database versions not stated): gnomAD exomes 0.00003 and 0.00008; TOPMed 0.00003; gnomAD 0.00004 and 0.00005; ExAC 0.00012; 1000 Genomes Project 30x 0.00016; 1000 Genomes Project 0.00020.
gnomAD v4.1: 55 of 1,601,264 alleles (0.0034%); highest among the groups gnomAD compares: Admixed American, 0.057%; no homozygotes.

Submissions (2):

Labcorp Genetics (formerly Invitae), Labcorp
Classification: Uncertain significance. Last evaluated: 2026-01-19. Review status: criteria provided, single submitter. Criteria: Invitae Variant Classification Sherloc (09022015). Collection method: clinical testing. Allele origin: germline.
Comment: This sequence change replaces arginine, which is basic and polar, with cysteine, which is neutral and slightly polar, at codon 165 of the SHPK protein (p.Arg165Cys). This variant is present in population databases (rs200632887, gnomAD 0.04%). This variant has not been reported in the literature in individuals affected with SHPK-related conditions. ClinVar contains an entry for this variant (Variation ID: 1422531). An algorithm developed to predict the effect of missense changes on protein structure and function outputs the following: PolyPhen-2: "Benign". The cysteine amino acid residue is found in multiple mammalian species, which suggests that this missense change does not adversely affect protein function. In summary, the available evidence is currently insufficient to determine the role of this variant in disease. Therefore, it has been classified as a Variant of Uncertain Significance.

Ambry Genetics
Classification: Likely benign. Last evaluated: 2023-12-09. Review status: criteria provided, single submitter. Criteria: Ambry Variant Classification Scheme 2023. Collection method: clinical testing. Allele origin: germline.

NM_013276.4(SHPK):c.493C>T (p.Arg165Cys)

Genes: SHPK (sedoheptulokinase; minus strand), LOC126862464 (MED14-independent group 3 enhancer GRCh37_chr17:3526895-3528094; plus strand). Cytogenetic location: 17p13.2.
Variant type: single nucleotide variant.
Coding change: c.493C>T on transcript NM_013276.4 (MANE Select); coding-DNA position 493, C replaced by T.
Protein change: p.Arg165Cys; replaces arginine 165 with cysteine.
Molecular consequence: missense variant.
Genome position (GRCh38, 1-based): chr17:3,624,049, G>A on the plus strand (C>T on the coding strand, the complement: SHPK is on the minus strand). VCF-style: chr17-3624049-G-A. GRCh37 (hg19) VCF-style: chr17-3527343-G-A.
Other names: c.493C>T (NM_013276.2); short protein forms R165C.
Identifiers: ClinVar variation 1422531 (VCV001422531.6), dbSNP rs200632887, ClinGen allele CA8291327.
Genomic context (GRCh38, chr17:3,624,049, plus strand): 5'-CGGCCTATTCTCATTCTCCCGGAAACCCAGCACCCGAGTGAAAGTGCAGTTGCCCGTACC[G>A]ATATTTCAAAAGCCAGAAGATGGTTGCACAGCCGAAGCCCGTGGCCACACTGAGATGAGA-3'
Protein context (NP_037408.2, residues 155-175): CATIFWLLKY[Arg165Cys]PEFLKSYDAA